The following is an entry in ClinVar:

ClinVar aggregate classification (germline): Uncertain significance (1 of 4 stars; one submission).

Conditions:
Syndromic disease. Identifiers: MedGen C0039082, MONDO:0002254.

Submission:

Victorian Clinical Genetics Services, Murdoch Childrens Research Institute
Classification: Uncertain significance for Syndromic disease. Last evaluated: 2022-02-02. Review status: criteria provided, single submitter. Criteria: ACMG Guidelines, 2015. Collection method: clinical testing. Allele origin: germline.
Comment: Based on the classification scheme VCGS_Germline_v1.3.4, this variant is classified as VUS-3C. Following criteria are met: 0102 - Loss of function is a known mechanism of disease in this gene and is associated with facioscapulohumeral dystrophy-like phenotype (PMID: 25615407) steroid-resistant nephrotic syndrome (PMID: 26905694) and syndromic form of coloboma (PMID: 30862798). (I) 0106 - This gene is associated with autosomal recessive disease. However, this is also a weak association to autosomal dominant disease (PMID: 25615407). (I) 0200 - Variant is predicted to result in a missense amino acid change from lysine to arginine. (I) 0251 - This variant is heterozygous. (I) 0301 - Variant is absent from gnomAD (both v2 and v3). (SP) 0309 - An alternative amino acid change at the same position has been observed in gnomAD (v2, v3) (1 heterozygote, 0 homozygotes). (I) 0503 - Missense variant consistently predicted to be tolerated by multiple in silico tools or not conserved in placental mammals with a minor amino acid change. (SB) 0600 - Variant is located in the annotated cadherin repeat domain (NCBI, UniProt). (I) 0705 - No comparable missense variants have previous evidence for pathogenicity. (I) 0807 - This variant has no previous evidence of pathogenicity. (I) 0905 - No published segregation evidence has been identified for this variant. (I) 1007 - No published functional evidence has been identified for this variant. (I) 1208 - Inheritance information for this variant is not currently available in this individual. (I) Legend: (SP) - Supporting pathogenic, (I) - Information, (SB) - Supporting benign

Literature cited by the submitters: PubMed 25615407; PubMed 26905694; PubMed 30862798.

NM_005245.4(FAT1):c.3011A>G (p.Lys1004Arg)

Gene: FAT1 (FAT atypical cadherin 1; minus strand). Cytogenetic location: 4q35.2.
Variant type: single nucleotide variant.
Coding change: c.3011A>G on transcript NM_005245.4 (MANE Select); coding-DNA position 3011, A replaced by G.
Protein change: p.Lys1004Arg; replaces lysine 1004 with arginine.
Molecular consequence: missense variant.
Genome position (GRCh38, 1-based): chr4:186,706,817, T>C on the plus strand (A>G on the coding strand, the complement: FAT1 is on the minus strand). VCF-style: chr4-186706817-T-C. GRCh37 (hg19) VCF-style: chr4-187627971-T-C.
Other names: short protein forms K1004R.
Identifiers: ClinVar variation 1699439 (VCV001699439.4), dbSNP rs2126683307, ClinGen allele CA358984201.